The following is an entry in ClinVar:

NM_000255.4(MMUT):c.179T>C (p.Ile60Thr)

Gene: MMUT (methylmalonyl-CoA mutase; minus strand). Cytogenetic location: 6p12.3.
Variant type: single nucleotide variant.
Coding change: c.179T>C on transcript NM_000255.4 (MANE Select); coding-DNA position 179, T replaced by C.
Protein change: p.Ile60Thr; replaces isoleucine 60 with threonine.
Molecular consequence: missense variant.
Genome position (GRCh38, 1-based): chr6:49,459,288, A>G on the plus strand (T>C on the coding strand, the complement: MMUT is on the minus strand). VCF-style: chr6-49459288-A-G. GRCh37 (hg19) VCF-style: chr6-49427001-A-G.
Other names: short protein forms I60T.
Identifiers: ClinVar variation 1375946 (VCV001375946.5), dbSNP rs770382069, ClinGen allele CA3847171.

ClinVar aggregate classification (germline): Uncertain significance (1 of 4 stars; one submission).

Allele frequency attached by ClinVar (database versions not stated): gnomAD exomes below 0.00001; ExAC 0.00001.

Submission:

Labcorp Genetics (formerly Invitae), Labcorp
Classification: Uncertain significance. Last evaluated: 2022-02-24. Review status: criteria provided, single submitter. Criteria: Invitae Variant Classification Sherloc (09022015). Collection method: clinical testing. Allele origin: germline.
Comment: This sequence change replaces isoleucine, which is neutral and non-polar, with threonine, which is neutral and polar, at codon 60 of the MUT protein (p.Ile60Thr). This variant is present in population databases (rs770382069, gnomAD 0.0009%). This variant has not been reported in the literature in individuals affected with MUT-related conditions. Algorithms developed to predict the effect of missense changes on protein structure and function output the following: SIFT: "Tolerated"; PolyPhen-2: "Benign"; Align-GVGD: "Class C0". The threonine amino acid residue is found in multiple mammalian species, which suggests that this missense change does not adversely affect protein function. In summary, the available evidence is currently insufficient to determine the role of this variant in disease. Therefore, it has been classified as a Variant of Uncertain Significance.